The following is an entry in ClinVar:

ClinVar aggregate classification (germline): Conflicting classifications of pathogenicity. Review status: criteria provided, conflicting classifications (1 of 4 stars). 2 submissions from 2 submitters: Likely pathogenic (1); Uncertain significance (1). Last evaluated 2025-07-31.

Conditions:
Autosomal recessive polycystic kidney disease (ARPKD). Also called: AR polycystic kidney disease. Identifiers: Orphanet 731, Orphanet 8378, MedGen C0085548, MeSH D017044, MONDO:0009889.

Submissions (2):

Women's Health and Genetics/Laboratory Corporation of America, LabCorp
Classification: Uncertain significance. Last evaluated: 2025-07-31. Review status: criteria provided, single submitter. Criteria: LabCorp Variant Classification Summary - May 2015. Collection method: clinical testing. Allele origin: germline.
Comment: Variant summary: PKHD1 c.4165C>A (p.Pro1389Thr) results in a non-conservative amino acid change located in the IPT domain (IPR002909) of the encoded protein sequence. Algorithms developed to predict the effect of missense changes on protein structure and function all suggest that this variant is likely to be disruptive. The variant was absent in 251380 control chromosomes. c.4165C>A has been reported in the literature as a compound heterozygous genotype in one individual with features of Autosomal recessive polycystic kidney disease (Bullich_2018) and as a non-informative genotype (exact genotype/zygosity not clearly specified) in another individual from a cohort of pedigrees with congenital hepatic fibrosis and/or Carolis disease (example, Rossetti_2003) with subsequent citations by others (example, Bergmann_2005, Sharp_2005). To our knowledge, no experimental evidence demonstrating an impact on protein function has been reported. The following publications have been ascertained in the context of this evaluation (PMID: 15108277, 29801666, 12846734, 15805161). ClinVar contains an entry for this variant (Variation ID: 1696015). Based on the evidence outlined above, the variant was classified as VUS-possibly pathogenic.

Labcorp Genetics (formerly Invitae), Labcorp
Classification: Likely pathogenic for Autosomal recessive polycystic kidney disease. Last evaluated: 2023-04-23. Review status: criteria provided, single submitter. Criteria: Invitae Variant Classification Sherloc (09022015). Collection method: clinical testing. Allele origin: germline.
Comment: This variant is not present in population databases (gnomAD no frequency). This sequence change replaces proline, which is neutral and non-polar, with threonine, which is neutral and polar, at codon 1389 of the PKHD1 protein (p.Pro1389Thr). In summary, the currently available evidence indicates that the variant is pathogenic, but additional data are needed to prove that conclusively. Therefore, this variant has been classified as Likely Pathogenic. Advanced modeling of protein sequence and biophysical properties (such as structural, functional, and spatial information, amino acid conservation, physicochemical variation, residue mobility, and thermodynamic stability) performed at Invitae indicates that this missense variant is expected to disrupt PKHD1 protein function. ClinVar contains an entry for this variant (Variation ID: 1696015). This missense change has been observed in individual(s) with polycystic kidney disease (PMID: 29801666). In at least one individual the data is consistent with being in trans (on the opposite chromosome) from a pathogenic variant.

Literature cited by the submitters: PubMed 15805161 (cited by Women's Health and Genetics/Laboratory Corporation of America, LabCorp); PubMed 15108277 (cited by Women's Health and Genetics/Laboratory Corporation of America, LabCorp); PubMed 12846734 (cited by Women's Health and Genetics/Laboratory Corporation of America, LabCorp); PubMed 29801666 (cited by Women's Health and Genetics/Laboratory Corporation of America, LabCorp and Labcorp Genetics (formerly Invitae), Labcorp).

NM_138694.4(PKHD1):c.4165C>A (p.Pro1389Thr)

Gene: PKHD1 (PKHD1 ciliary IPT domain containing fibrocystin/polyductin; minus strand). Cytogenetic location: 6p12.2.
Variant type: single nucleotide variant.
Coding change: c.4165C>A on transcript NM_138694.4 (MANE Select); coding-DNA position 4165, C replaced by A.
Protein change: p.Pro1389Thr; replaces proline 1389 with threonine.
Molecular consequence: missense variant.
Genome position (GRCh38, 1-based): chr6:52,025,645, G>T on the plus strand (C>A on the coding strand, the complement: PKHD1 is on the minus strand). VCF-style: chr6-52025645-G-T. GRCh37 (hg19) VCF-style: chr6-51890443-G-T.
Other names: c.4165C>A, p.Pro1389Thr (NM_170724.3); short protein forms P1389T.
Identifiers: ClinVar variation 1696015 (VCV001696015.5), dbSNP rs2128144732, ClinGen allele CA364435407.